The following is an entry in ClinVar:

ClinVar aggregate classification (germline): Uncertain significance. Review status: criteria provided, multiple submitters, no conflicts (2 of 4 stars). 2 submissions from 2 submitters: Uncertain significance (2). Last evaluated 2024-07-12.

Allele frequency attached by ClinVar (database versions not stated): gnomAD exomes 0.00001; TOPMed 0.00001; ExAC 0.00002; ESP Exome Variant Server 0.00008.
gnomAD v4.1: 9 of 1,613,916 alleles (0.00056%); highest among the groups gnomAD compares: South Asian, 0.0011%; no homozygotes.

Submissions (2):

Blueprint Genetics
Classification: Uncertain significance. Last evaluated: 2024-07-12. Review status: criteria provided, single submitter. Criteria: ACMG Guidelines, 2015. Collection method: clinical testing. Allele origin: germline.

Labcorp Genetics (formerly Invitae), Labcorp
Classification: Uncertain significance. Last evaluated: 2022-04-19. Review status: criteria provided, single submitter. Criteria: Invitae Variant Classification Sherloc (09022015). Collection method: clinical testing. Allele origin: germline.
Comment: In summary, the available evidence is currently insufficient to determine the role of this variant in disease. Therefore, it has been classified as a Variant of Uncertain Significance. Algorithms developed to predict the effect of missense changes on protein structure and function (SIFT, PolyPhen-2, Align-GVGD) all suggest that this variant is likely to be disruptive. ClinVar contains an entry for this variant (Variation ID: 1042474). This variant has not been reported in the literature in individuals affected with FZD4-related conditions. This variant is present in population databases (rs370046062, gnomAD 0.003%). This sequence change replaces arginine, which is basic and polar, with cysteine, which is neutral and slightly polar, at codon 213 of the FZD4 protein (p.Arg213Cys).

NM_012193.4(FZD4):c.637C>T (p.Arg213Cys)

Genes: FZD4 (frizzled class receptor 4; minus strand), PRSS23 (serine protease 23; plus strand). Cytogenetic location: 11q14.2.
Variant type: single nucleotide variant.
Coding change: c.637C>T on transcript NM_012193.4 (MANE Select); coding-DNA position 637, C replaced by T.
Protein change: p.Arg213Cys; replaces arginine 213 with cysteine.
Molecular consequence: missense variant. On other transcripts: non-coding transcript variant (2).
Genome position (GRCh38, 1-based): chr11:86,952,119, G>A on the plus strand (C>T on the coding strand, the complement: FZD4 is on the minus strand). VCF-style: chr11-86952119-G-A. GRCh37 (hg19) VCF-style: chr11-86663161-G-A.
Other names: short protein forms R213C.
Identifiers: ClinVar variation 1042474 (VCV001042474.9), dbSNP rs370046062, ClinGen allele CA6218433.